The following is an entry in ClinVar:

NM_000038.6(APC):c.8396C>G (p.Ser2799Ter)

Gene: APC (APC regulator of Wnt signaling pathway; plus strand). Cytogenetic location: 5q22.2.
Variant type: single nucleotide variant.
Coding change: c.8396C>G on transcript NM_000038.6 (MANE Select); coding-DNA position 8396, C replaced by G.
Protein change: p.Ser2799Ter; replaces serine 2799 with a stop codon.
Molecular consequence: nonsense. On other transcripts: non-coding transcript variant (2).
Genome position (GRCh38, 1-based): chr5:112,843,990, C>G. VCF-style: chr5-112843990-C-G. GRCh37 (hg19) VCF-style: chr5-112179687-C-G.
Other names: c.8123C>G, p.Ser2708Ter (NM_001354902.2); c.8093C>G, p.Ser2698Ter (NM_001354903.2, NM_001407458.1, NM_001407459.1 and 1 more transcripts); c.8018C>G, p.Ser2673Ter (NM_001354904.2); c.7916C>G, p.Ser2639Ter (NM_001354905.2); c.7547C>G, p.Ser2516Ter (NM_001354906.2, NM_001407470.1); c.8480C>G, p.Ser2827Ter (NM_001407446.1); c.8450C>G, p.Ser2817Ter (NM_001407447.1, NM_001407448.1, NM_001407449.1 and 1 more transcripts); c.8396C>G, p.Ser2799Ter (NM_001407450.1, NM_001127510.3, NM_001354895.2); and 11 more; short protein forms S2415*, S2673*, S2698*, S2758*, S2771*, S2781*, S2809*, S2639*.
Identifiers: ClinVar variation 4736354 (VCV004736354.1).

ClinVar aggregate classification (germline): Uncertain significance (1 of 4 stars; one submission).

Conditions:
Familial adenomatous polyposis 1 (FAP1). Also called: FAMILIAL ADENOMATOUS POLYPOSIS 1, ATTENUATED; POLYPOSIS, ADENOMATOUS INTESTINAL. Identifiers: MedGen C2713442, MONDO:0021056, OMIM 175100. Disease mechanism: loss of function.

Submission:

Labcorp Genetics (formerly Invitae), Labcorp
Classification: Uncertain significance for Familial adenomatous polyposis 1. Last evaluated: 2026-01-28. Review status: criteria provided, single submitter. Criteria: Invitae Variant Classification Sherloc (09022015). Collection method: clinical testing. Allele origin: germline.
Comment: This sequence change creates a premature translational stop signal (p.Ser2799*) in the APC gene. While this is not anticipated to result in nonsense mediated decay, it is expected to disrupt the last 45 amino acid(s) of the APC protein. This variant is not present in population databases (gnomAD no frequency). This variant has not been reported in the literature in individuals affected with APC-related conditions. In summary, the available evidence is currently insufficient to determine the role of this variant in disease. Therefore, it has been classified as a Variant of Uncertain Significance.